The following is an entry in ClinVar:

ClinVar aggregate classification (germline): Conflicting classifications of pathogenicity. Review status: criteria provided, conflicting classifications (1 of 4 stars). 2 submissions from 2 submitters: Uncertain significance (1); Likely benign (1). Last evaluated 2023-08-30.

Conditions:
Febrile seizures, familial, 11 (FEB11). Also called: CONVULSIONS, FAMILIAL FEBRILE, 11. Identifiers: MedGen C3280734, MONDO:0024566, OMIM 614418.
Familial temporal lobe epilepsy 5. Identifiers: MedGen C3280730, MONDO:0013741, OMIM 614417.

Allele frequency attached by ClinVar (database versions not stated): ESP Exome Variant Server 0.00123; gnomAD exomes 0.00007 and 0.00021; ExAC 0.00029; 1000 Genomes Project 30x 0.00062; gnomAD 0.00074 and 0.00075; TOPMed 0.00079; 1000 Genomes Project 0.00080.
gnomAD v4.1: 222 of 1,614,104 alleles (0.014%); highest among the groups gnomAD compares: African/African-American, 0.27%; 1 homozygote.

Submissions (2):

Labcorp Genetics (formerly Invitae), Labcorp
Classification: Likely benign for Febrile seizures, familial, 11. Last evaluated: 2023-08-30. Review status: criteria provided, single submitter. Criteria: Invitae Variant Classification Sherloc (09022015). Collection method: clinical testing. Allele origin: germline.

Center for Genomics, Ann and Robert H. Lurie Children's Hospital of Chicago
Classification: Uncertain significance for Familial temporal lobe epilepsy 5; Febrile seizures, familial, 11. Review status: criteria provided, single submitter. Criteria: ACMG Guidelines, 2015. Collection method: clinical testing. Allele origin: germline.
Comment: CPA6 NM_020361.4 p.Val306Ile exon 9 (c.916G>A):This variant has not been reported in the literature in individuals with disease but is present in 0.2% (104/41450) of African alleles including 1 homozygote in the Genome Aggregation Database. This variant is present in ClinVar (Variation ID:472765). Evolutionary conservation suggests that this variant may impact the protein; computational predictive tools suggest that this variant may not impact the protein. In vitro functional studies predict that this variant will impact the protein (Sapio 2012 PMID:23105115). However, these studies may not accurately represent in vivo biological function. In summary, data on this variant is insufficient for disease classification. Therefore, the clinical significance of this variant is uncertain.

NM_020361.5(CPA6):c.916G>A (p.Val306Ile)

Genes: ARFGEF1-DT (ARFGEF1 divergent transcript; plus strand), CPA6 (carboxypeptidase A6; minus strand). Cytogenetic location: 8q13.2.
Variant type: single nucleotide variant.
Coding change: c.916G>A on transcript NM_020361.5 (MANE Select); coding-DNA position 916, G replaced by A.
Protein change: p.Val306Ile; replaces valine 306 with isoleucine.
Molecular consequence: missense variant.
Genome position (GRCh38, 1-based): chr8:67,434,163, C>T on the plus strand (G>A on the coding strand, the complement: CPA6 is on the minus strand). VCF-style: chr8-67434163-C-T. GRCh37 (hg19) VCF-style: chr8-68346398-C-T.
Other names: short protein forms V306I.
Identifiers: ClinVar variation 472765 (VCV000472765.14), dbSNP rs147046973, ClinGen allele CA4772780.